The following is an entry in ClinVar:

NM_000203.5(IDUA):c.663dup (p.Gly222fs)

Gene: IDUA (alpha-L-iduronidase; plus strand). Cytogenetic location: 4p16.3.
Variant type: Duplication.
Coding change: c.663dup on transcript NM_000203.5 (MANE Select); coding-DNA position 663, one base duplicated (C; older notation c.663dupC).
Protein change: p.Gly222fs; shifts the reading frame from glycine 222.
Molecular consequence: frameshift variant. On other transcripts: non-coding transcript variant (1).
Genome position (GRCh38, 1-based): chr4:1,001,752, C duplicated; the last of 4 consecutive C bases (chr4:1,001,749-1,001,752); duplicating any one gives the same sequence. VCF-style (leftmost placement, unchanged base first): chr4-1001748-G-GC. GRCh37 (hg19) VCF-style: chr4-995536-G-GC.
Other names: c.267dup, p.Gly90fs (NM_001363576.1); short protein forms G222fs, G90fs.
Identifiers: ClinVar variation 5012181 (VCV005012181.1).
Genomic context (GRCh38, chr4:1,001,748, plus strand): 5'-ACTACTACGATGCCTGCTCGGAGGGTCTGCGCGCCGCCAGCCCCGCCCTGCGGCTGGGAG[G>GC]CCCCGGCGACTCCTTCCACACCCCACCGCGATCCCCGCTGAGCTGGGGCCTCCTGCGCCA-3'

ClinVar aggregate classification (germline): Pathogenic (1 of 4 stars; one submission).

Conditions:
Mucopolysaccharidosis type 1. Also called: IDUA deficiency; MPS I; Mucopolysaccharidosis Type I. Identifiers: Orphanet 579, MedGen C0023786, MONDO:0001586.

Submission:

Myriad Genetics, Inc.
Classification: Pathogenic for Mucopolysaccharidosis type 1. Last evaluated: 2023-09-27. Review status: criteria provided, single submitter. Criteria: Myriad Autosomal Dominant, Autosomal Recessive and X-Linked Classification Criteria (2023). Collection method: clinical testing. Allele origin: unknown.
Comment: NM_000203.3(IDUA):c.663dupC(G222Rfs*177) is expected to be pathogenic in the context of mucopolysaccharidosis type I. This variant is predicted to lead to an abnormal or absent protein product due to the creation of a premature termination codon in IDUA, a gene where loss-of-function variants are known to be pathogenic. Please note: this variant was assessed in the context of healthy population screening.